The following is an entry in ClinVar:

NM_000427.3(LORICRIN):c.835GGC[6] (p.Gly283dup)

Gene: LORICRIN (loricrin cornified envelope precursor protein; plus strand). Cytogenetic location: 1q21.3.
Variant type: Microsatellite.
Coding change: c.835GGC[6] on transcript NM_000427.3 (MANE Select); six copies in a row of the 3-base unit GGC starting at c.835; the reference has five copies in a row; one copy, 3 bases duplicated.
Protein change: p.Gly283dup; duplicates glycine 283.
Molecular consequence: inframe insertion.
Genome position (GRCh38, 1-based): chr1:153,261,796-153,261,798, GGC duplicated; duplicating any 3 consecutive bases within chr1:153,261,784-153,261,798 gives the same sequence; the position shown is the placement nearest the transcript's 3' end. VCF-style (leftmost placement, unchanged base first): chr1-153261783-A-AGGC. GRCh37 (hg19) VCF-style: chr1-153234259-A-AGGC.
Identifiers: ClinVar variation 1049465 (VCV001049465.5), dbSNP rs546948100, ClinGen allele CA1114381.

ClinVar aggregate classification (germline): Benign/Likely benign. Review status: criteria provided, multiple submitters, no conflicts (2 of 4 stars). 3 submissions from 3 submitters: Benign (1); Likely benign (1). 1 of the submissions does not count toward it. Last evaluated 2024-09-23.

Submissions (3):

Blueprint Genetics
Classification: Likely benign. Last evaluated: 2024-09-23. Review status: criteria provided, single submitter. Criteria: ACMG Guidelines, 2015. Collection method: clinical testing. Allele origin: germline.

Labcorp Genetics (formerly Invitae), Labcorp
Classification: Benign. Last evaluated: 2023-12-30. Review status: criteria provided, single submitter. Criteria: Invitae Variant Classification Sherloc (09022015). Collection method: clinical testing. Allele origin: germline.

Department of Pathology and Laboratory Medicine, Sinai Health System
Classification: Likely benign. Review status: no assertion criteria provided. Collection method: clinical testing. Allele origin: unknown. Affected: yes. Study: The Canadian Open Genetics Repository (COGR). Not counted in ClinVar's aggregate classification.
Comment: The LOR p.Gly283dup variant was not identified in the literature nor was it identified in ClinVar. The variant was identified in dbSNP (ID: rs546948100) and in control databases in 111 of 246928 chromosomes at a frequency of 0.0004495 increasing the likelihood this could be a low frequency benign variant (Genome Aggregation Database March 6, 2019, v2.1.1). The variant was observed in the following populations: South Asian in 91 of 28514 chromosomes (freq: 0.003191), African in 9 of 19978 chromosomes (freq: 0.000451), Other in 2 of 6418 chromosomes (freq: 0.000312) and Latino in 9 of 33304 chromosomes (freq: 0.00027), but was not observed in the Ashkenazi Jewish, East Asian, European (Finnish), or European (non-Finnish) populations. This variant is an in-frame insertion resulting in the duplication of a glycine (gly) residue at codon 283; the impact of this alteration on LOR protein function is not known. The variant occurs outside of the splicing consensus sequence and in silico or computational prediction software programs (SpliceSiteFinder, MaxEntScan, NNSPLICE, GeneSplicer) do not predict a difference in splicing. In summary, based on the above information the clinical significance of this variant cannot be determined with certainty at this time although we would lean towards a more benign role for this variant. This variant is classified as likely benign.